The following is an entry in ClinVar:

NM_133433.4(NIPBL):c.2101G>A (p.Glu701Lys)

Gene: NIPBL (NIPBL cohesin loading factor; plus strand). Cytogenetic location: 5p13.2.
Variant type: single nucleotide variant.
Coding change: c.2101G>A on transcript NM_133433.4 (MANE Select); coding-DNA position 2101, G replaced by A.
Protein change: p.Glu701Lys; replaces glutamic acid 701 with lysine.
Molecular consequence: missense variant.
Genome position (GRCh38, 1-based): chr5:36,985,281, G>A. VCF-style: chr5-36985281-G-A. GRCh37 (hg19) VCF-style: chr5-36985383-G-A.
Other names: c.2101G>A, p.Glu701Lys (NM_015384.5); short protein forms E701K.
Identifiers: ClinVar variation 3391570 (VCV003391570.1).

ClinVar aggregate classification (germline): Uncertain significance (1 of 4 stars; one submission).

Submission:

GeneDx
Classification: Uncertain significance. Last evaluated: 2024-06-18. Review status: criteria provided, single submitter. Criteria: GeneDx Variant Classification Process June 2021. Collection method: clinical testing. Allele origin: germline. Affected: yes.
Comment: Not observed at significant frequency in large population cohorts (gnomAD); In silico analysis indicates that this missense variant does not alter protein structure/function; Has not been previously published as pathogenic or benign to our knowledge